The following is an entry in ClinVar:

NM_007215.4(POLG2):c.227G>A (p.Arg76Lys)

Genes: MILR1 (mast cell immunoglobulin like receptor 1; plus strand), POLG2 (DNA polymerase gamma 2, accessory subunit; minus strand). Cytogenetic location: 17q23.3.
Variant type: single nucleotide variant.
Coding change: c.227G>A on transcript NM_007215.4 (MANE Select); coding-DNA position 227, G replaced by A.
Protein change: p.Arg76Lys; replaces arginine 76 with lysine.
Molecular consequence: missense variant.
Genome position (GRCh38, 1-based): chr17:64,496,742, C>T on the plus strand (G>A on the coding strand, the complement: POLG2 is on the minus strand). VCF-style: chr17-64496742-C-T. GRCh37 (hg19) VCF-style: chr17-62492860-C-T.
Other names: short protein forms R76K.
Identifiers: ClinVar variation 1460856 (VCV001460856.6), dbSNP rs782787611, ClinGen allele CA8713069.

ClinVar aggregate classification (germline): Uncertain significance (1 of 4 stars; one submission).

Allele frequency attached by ClinVar (database versions not stated): gnomAD exomes below 0.00001; ExAC 0.00001; gnomAD 0.00001.
gnomAD v4.1: 7 of 1,614,056 alleles (0.00043%); highest among the groups gnomAD compares: Admixed American, 0.0017%; no homozygotes.

Submission:

Labcorp Genetics (formerly Invitae), Labcorp
Classification: Uncertain significance. Last evaluated: 2022-08-16. Review status: criteria provided, single submitter. Criteria: Invitae Variant Classification Sherloc (09022015). Collection method: clinical testing. Allele origin: germline.
Comment: In summary, the available evidence is currently insufficient to determine the role of this variant in disease. Therefore, it has been classified as a Variant of Uncertain Significance. Algorithms developed to predict the effect of missense changes on protein structure and function are either unavailable or do not agree on the potential impact of this missense change (SIFT: "Tolerated"; PolyPhen-2: "Probably Damaging"; Align-GVGD: "Class C0"). ClinVar contains an entry for this variant (Variation ID: 1460856). This variant has not been reported in the literature in individuals affected with POLG2-related conditions. This variant is present in population databases (rs782787611, gnomAD 0.0009%). This sequence change replaces arginine, which is basic and polar, with lysine, which is basic and polar, at codon 76 of the POLG2 protein (p.Arg76Lys).